The following is an entry in ClinVar:

NM_000277.3(PAH):c.1242C>A (p.Tyr414Ter)

Gene: PAH (phenylalanine hydroxylase; minus strand). Cytogenetic location: 12q23.2.
Variant type: single nucleotide variant.
Coding change: c.1242C>A on transcript NM_000277.3 (MANE Select); coding-DNA position 1242, C replaced by A.
Protein change: p.Tyr414Ter; replaces tyrosine 414 with a stop codon.
Molecular consequence: nonsense.
Genome position (GRCh38, 1-based): chr12:102,840,473, G>T on the plus strand (C>A on the coding strand, the complement: PAH is on the minus strand). VCF-style: chr12-102840473-G-T. GRCh37 (hg19) VCF-style: chr12-103234251-G-T.
Other names: NM_001354304.2:c.1242C>A; c.1242C>A, p.Tyr414Ter (NM_001354304.2); short protein forms Y414*.
Identifiers: ClinVar variation 1810390 (VCV001810390.1), dbSNP rs1801152, ClinGen allele CA16020977.

ClinVar aggregate classification (germline): Pathogenic (3 of 4 stars; one submission).

Conditions:
Phenylketonuria (PKU). Also called: Phenylketonurias; OLIGOPHRENIA PHENYLPYRUVICA; FOLLING DISEASE; Phenylketonuria (PKU). Identifiers: Orphanet 716, MedGen C0031485, MONDO:0009861, OMIM 261600. Disease mechanism: loss of function.

Submission:

ClinGen PAH Variant Curation Expert Panel
Classification: Pathogenic for Phenylketonuria. Last evaluated: 2022-10-14. Review status: reviewed by expert panel. Criteria: ClinGen PAH ACMG Specifications v1. Collection method: curation. Allele origin: germline. Inheritance: Autosomal recessive inheritance.
Comment: This c.1242C>A (p.Tyr414Ter) variant in PAH was detected in multiple patients with PKU with the pathogenic variants p.Y204C (PMID: 24705691) and p.Arg241Cys (PMID: 28982351). This variant was absent in population databases. This is a nonsense variant in exon 12 of 13 coding exons predicted to undergo nonsense mediated decay. In summary, this variant meets criteria to be classified as pathogenic for PAH. PAH-specific ACMG/AMP criteria applied: PVS1, PM3_Strong, PM2, PP4_Moderate.